The following is an entry in ClinVar:

ClinVar aggregate classification (germline): Uncertain significance (1 of 4 stars; one submission).

Allele frequency attached by ClinVar (database versions not stated): gnomAD exomes below 0.00001.
gnomAD v4.1: 3 of 1,614,016 alleles (0.00019%); highest among the groups gnomAD compares: Non-Finnish European, 0.00017%; no homozygotes.

Submission:

Labcorp Genetics (formerly Invitae), Labcorp
Classification: Uncertain significance. Last evaluated: 2022-06-13. Review status: criteria provided, single submitter. Criteria: Invitae Variant Classification Sherloc (09022015). Collection method: clinical testing. Allele origin: germline.
Comment: This sequence change replaces tyrosine, which is neutral and polar, with cysteine, which is neutral and slightly polar, at codon 1581 of the KMT2A protein (p.Tyr1581Cys). This variant is not present in population databases (gnomAD no frequency). This variant has not been reported in the literature in individuals affected with KMT2A-related conditions. Advanced modeling of protein sequence and biophysical properties (such as structural, functional, and spatial information, amino acid conservation, physicochemical variation, residue mobility, and thermodynamic stability) performed at Invitae indicates that this missense variant is expected to disrupt KMT2A protein function. Algorithms developed to predict the effect of sequence changes on RNA splicing suggest that this variant may create or strengthen a splice site. In summary, the available evidence is currently insufficient to determine the role of this variant in disease. Therefore, it has been classified as a Variant of Uncertain Significance.

NM_001197104.2(KMT2A):c.4742A>G (p.Tyr1581Cys)

Gene: KMT2A (lysine methyltransferase 2A; plus strand). Cytogenetic location: 11q23.3.
Variant type: single nucleotide variant.
Coding change: c.4742A>G on transcript NM_001197104.2 (MANE Select); coding-DNA position 4742, A replaced by G.
Protein change: p.Tyr1581Cys; replaces tyrosine 1581 with cysteine.
Molecular consequence: missense variant.
Genome position (GRCh38, 1-based): chr11:118,491,241, A>G. VCF-style: chr11-118491241-A-G. GRCh37 (hg19) VCF-style: chr11-118361956-A-G.
Other names: c.4742A>G, p.Tyr1581Cys (NM_005933.4); short protein forms Y1581C.
Identifiers: ClinVar variation 1467810 (VCV001467810.6), dbSNP rs1565293702, ClinGen allele CA382834349.
Genomic context (GRCh38, chr11:118,491,241, plus strand): 5'-TTGCTTTGCTTTCAGGAAACTTCTGCCCTCTCTGTGACAAATGTTATGATGATGATGACT[A>G]TGAGAGTAAGATGATGCAATGTGGAAAGTGTGATCGCTGGGTCCATTCCAAATGTGAGAA-3'
Protein context (NP_001184033.1, residues 1571-1591): LCDKCYDDDD[Tyr1581Cys]ESKMMQCGKC